The following is an entry in ClinVar:

NM_004991.4(MECOM):c.3581C>T (p.Ser1194Leu)

Gene: MECOM (MDS1 and EVI1 complex locus; minus strand). Cytogenetic location: 3q26.2.
Variant type: single nucleotide variant.
Coding change: c.3581C>T on transcript NM_004991.4 (MANE Select); coding-DNA position 3581, C replaced by T.
Protein change: p.Ser1194Leu; replaces serine 1194 with leucine.
Molecular consequence: missense variant.
Genome position (GRCh38, 1-based): chr3:169,089,004, G>A on the plus strand (C>T on the coding strand, the complement: MECOM is on the minus strand). VCF-style: chr3-169089004-G-A. GRCh37 (hg19) VCF-style: chr3-168806792-G-A.
Other names: c.3212C>T, p.Ser1071Leu (NM_001105077.4); c.3017C>T, p.Ser1006Leu (NM_001105078.4, NM_001205194.2, NM_001366469.2 and 1 more transcripts); c.2993C>T, p.Ser998Leu (NM_001163999.2, NM_001366470.2); c.2990C>T, p.Ser997Leu (NM_001164000.2, NM_001366471.2, NM_001366472.2); c.3554C>T, p.Ser1185Leu (NM_001366466.2); c.3020C>T, p.Ser1007Leu (NM_001366467.2, NM_001366468.2); c.2582C>T, p.Ser861Leu (NM_001366473.2); c.2018C>T, p.Ser673Leu (NM_001366474.2); short protein forms S1006L, S1007L, S1071L, S997L, S1185L, S861L, S673L, S998L.
Identifiers: ClinVar variation 2608205 (VCV002608205.3), dbSNP rs184103354, ClinGen allele CA2695867.

ClinVar aggregate classification (germline): Uncertain significance (1 of 4 stars; one submission).

Conditions:
Inborn genetic diseases. Identifiers: MedGen C0950123, MeSH D030342.

Allele frequency attached by ClinVar (database versions not stated): gnomAD 0.00001; gnomAD exomes 0.00001; TOPMed 0.00002; ExAC 0.00003; 1000 Genomes Project 0.00020; 1000 Genomes Project 30x 0.00031.
gnomAD v4.1: 18 of 1,590,746 alleles (0.0011%); highest among the groups gnomAD compares: East Asian, 0.011%; no homozygotes.

Submission:

Ambry Genetics
Classification: Uncertain significance for Inborn genetic diseases. Last evaluated: 2024-11-23. Review status: criteria provided, single submitter. Criteria: Ambry Variant Classification Scheme 2023. Collection method: clinical testing. Allele origin: germline.
Comment: The p.S1194L variant (also known as c.3581C>T), located in coding exon 16 of the MECOM gene, results from a C to T substitution at nucleotide position 3581. The serine at codon 1194 is replaced by leucine, an amino acid with dissimilar properties. This amino acid position is conserved. In addition, the in silico prediction for this alteration is inconclusive. Based on the available evidence, the clinical significance of this variant remains unclear.